The following is an entry in ClinVar:

NM_001378454.1(ALMS1):c.9652A>T (p.Ile3218Phe)

Gene: ALMS1 (ALMS1 centrosome and basal body associated protein; plus strand). Cytogenetic location: 2p13.1.
Variant type: single nucleotide variant.
Coding change: c.9652A>T on transcript NM_001378454.1 (MANE Select); coding-DNA position 9652, A replaced by T.
Protein change: p.Ile3218Phe; replaces isoleucine 3218 with phenylalanine.
Molecular consequence: missense variant.
Genome position (GRCh38, 1-based): chr2:73,519,887, A>T. VCF-style: chr2-73519887-A-T. GRCh37 (hg19) VCF-style: chr2-73747014-A-T.
Other names: c.9655A>T, p.Ile3219Phe (NM_015120.4); short protein forms I3219F, I3218F.
Identifiers: ClinVar variation 599293 (VCV000599293.17), dbSNP rs771768835, ClinGen allele CA1714727.
Genomic context (GRCh38, chr2:73,519,887, plus strand): 5'-TCTGATGCAGTCACTCAGATAACAACAGAAAGTCCAGAAAAGACCCTATTTTCATCTGAG[A>T]TTTTTATTAATGCTGAAGATCGTGGACATGAAATTATAGAGCCTGGTAACCAGAAGCTAC-3'
Protein context (NP_001365383.1, residues 3208-3228): SPEKTLFSSE[Ile3218Phe]FINAEDRGHE

ClinVar aggregate classification (germline): Uncertain significance. Review status: criteria provided, multiple submitters, no conflicts (2 of 4 stars). 8 submissions from 8 submitters: Uncertain significance (7). 1 of the submissions does not count toward it. Last evaluated 2025-06-05.

Conditions:
Cardiovascular phenotype. Identifiers: MedGen CN230736.
Alstrom syndrome (ALMS). Identifiers: Orphanet 64, MedGen C0268425, MONDO:0008763, OMIM 203800.

Allele frequency attached by ClinVar (database versions not stated): gnomAD 0.00001; gnomAD exomes 0.00001 and 0.00003; ExAC 0.00002; TOPMed 0.00002.
gnomAD v4.1: 11 of 1,614,016 alleles (0.00068%); highest among the groups gnomAD compares: Admixed American, 0.013%; no homozygotes.

Submissions (8):

ARUP Laboratories, Molecular Genetics and Genomics, ARUP Laboratories
Classification: Uncertain significance for Alstrom syndrome. Last evaluated: 2025-06-05. Review status: criteria provided, single submitter. Criteria: ARUP Molecular Germline Variant Investigation Process 2024. Collection method: clinical testing. Allele origin: germline.
Comment: The ALMS1 c.9652A>T; p.Ile3218Phe variant (rs771768835), to our knowledge, is not reported in the medical literature but is reported in ClinVar (Variation ID: 599293). This variant is found in the Admixed American population with an allele frequency of 0.02% (7/34514 alleles) in the Genome Aggregation Database (v2.1.1). Computational analyses predict that this variant is neutral (REVEL: 0.14). Due to limited information, the clinical significance of this variant is uncertain at this time.

Labcorp Genetics (formerly Invitae), Labcorp
Classification: Uncertain significance for Alstrom syndrome. Last evaluated: 2024-10-25. Review status: criteria provided, single submitter. Criteria: Invitae Variant Classification Sherloc (09022015). Collection method: clinical testing. Allele origin: germline.
Comment: This sequence change replaces isoleucine, which is neutral and non-polar, with phenylalanine, which is neutral and non-polar, at codon 3219 of the ALMS1 protein (p.Ile3219Phe). This variant is present in population databases (rs771768835, gnomAD 0.02%). This variant has not been reported in the literature in individuals affected with ALMS1-related conditions. ClinVar contains an entry for this variant (Variation ID: 599293). Experimental studies and prediction algorithms are not available or were not evaluated, and the functional significance of this variant is currently unknown. In summary, the available evidence is currently insufficient to determine the role of this variant in disease. Therefore, it has been classified as a Variant of Uncertain Significance.

GeneDx
Classification: Uncertain significance. Last evaluated: 2024-06-12. Review status: criteria provided, single submitter. Criteria: GeneDx Variant Classification Process June 2021. Collection method: clinical testing. Allele origin: germline. Affected: yes.
Comment: In silico analysis supports that this missense variant has a deleterious effect on protein structure/function; Has not been previously published as pathogenic or benign to our knowledge

Ambry Genetics
Classification: Uncertain significance for Cardiovascular phenotype. Last evaluated: 2023-05-03. Review status: criteria provided, single submitter. Criteria: Ambry Variant Classification Scheme 2023. Collection method: clinical testing. Allele origin: germline.
Comment: The p.I3219F variant (also known as c.9655A>T), located in coding exon 11 of the ALMS1 gene, results from an A to T substitution at nucleotide position 9655. The isoleucine at codon 3219 is replaced by phenylalanine, an amino acid with highly similar properties. This amino acid position is well conserved in available vertebrate species. In addition, the in silico prediction for this alteration is inconclusive. Since supporting evidence is limited at this time, the clinical significance of this alteration remains unclear.

Fulgent Genetics
Classification: Uncertain significance for Alstrom syndrome. Last evaluated: 2022-04-24. Review status: criteria provided, single submitter. Criteria: ACMG Guidelines, 2015. Collection method: clinical testing. Allele origin: unknown.

Blueprint Genetics
Classification: Uncertain significance. Last evaluated: 2019-08-26. Review status: criteria provided, single submitter. Criteria: ACMG Guidelines, 2015. Collection method: clinical testing. Allele origin: germline.

Women's Health and Genetics/Laboratory Corporation of America, LabCorp
Classification: Uncertain significance. Last evaluated: 2017-07-17. Review status: criteria provided, single submitter. Criteria: LabCorp Variant Classification Summary - May 2015. Collection method: clinical testing. Allele origin: germline.
Comment: Variant summary: The ALMS1 c.9649A>T (p.Ile3217Phe, alternative name c.9655A>T) variant involves the alteration of a conserved nucleotide and 3/3 in silico tools (SNPsandGO not captured due to low reliability index and PolyPhen not working at time of scoring) predict a damaging outcome. However, these predictions have yet to be functionally assessed. This variant was found in 2/120722 control chromosomes at a frequency of 0.0000166, which does not exceed the estimated maximal expected allele frequency of a pathogenic ALMS1 variant (0.0022361). The variant of interest has not, to our knowledge, been reported in affected individuals via publications and/or reputable databases/clinical diagnostic laboratories. Because of the absence of clinical information and the lack of functional studies, the variant is classified as a "Variant of Uncertain Significance (VUS)," until additional information becomes available.

Natera, Inc.
Classification: Uncertain significance for Alstrom syndrome. Last evaluated: 2021-10-05. Review status: no assertion criteria provided. Collection method: clinical testing. Allele origin: germline. Not counted in ClinVar's aggregate classification.